The following is an entry in ClinVar:

ClinVar aggregate classification (germline): Conflicting classifications of pathogenicity. Review status: criteria provided, conflicting classifications (1 of 4 stars). 2 submissions from 2 submitters: Uncertain significance (1); Likely benign (1). Last evaluated 2026-01-05.

Conditions:
Hereditary cancer-predisposing syndrome. Also called: Hereditary neoplastic syndrome; Neoplastic Syndromes, Hereditary; Tumor predisposition; Hereditary Cancer Syndrome. Identifiers: Orphanet 140162, MedGen C0027672, MeSH D009386, MONDO:0015356.
Ataxia-telangiectasia syndrome (AT). Also called: LOUIS-BAR SYNDROME; Cerebello-oculocutaneous telangiectasia; Immunodeficiency with ataxia telangiectasia; Ataxia-telangiectasia, complementation group D; AT, COMPLEMENTATION GROUP C; ATAXIA-TELANGIECTASIA, COMPLEMENTATION GROUP A. Identifiers: Orphanet 100, MedGen C0004135, MONDO:0008840, OMIM 208900.

Submissions (2):

Ambry Genetics
Classification: Likely benign for Hereditary cancer-predisposing syndrome. Last evaluated: 2026-01-05. Review status: criteria provided, single submitter. Criteria: Ambry Variant Classification Scheme 2023. Collection method: clinical testing. Allele origin: germline.

Labcorp Genetics (formerly Invitae), Labcorp
Classification: Uncertain significance for Ataxia-telangiectasia syndrome. Last evaluated: 2024-01-10. Review status: criteria provided, single submitter. Criteria: Invitae Variant Classification Sherloc (09022015). Collection method: clinical testing. Allele origin: germline.
Comment: This sequence change replaces serine, which is neutral and polar, with asparagine, which is neutral and polar, at codon 1447 of the ATM protein (p.Ser1447Asn). This variant is not present in population databases (gnomAD no frequency). This missense change has been observed in individual(s) with breast cancer (PMID: 30287823). ClinVar contains an entry for this variant (Variation ID: 2187728). Algorithms developed to predict the effect of missense changes on protein structure and function output the following: SIFT: "Not Available"; PolyPhen-2: "Benign"; Align-GVGD: "Not Available". The asparagine amino acid residue is found in multiple mammalian species, which suggests that this missense change does not adversely affect protein function. In summary, the available evidence is currently insufficient to determine the role of this variant in disease. Therefore, it has been classified as a Variant of Uncertain Significance.

Literature cited by the submitters: PubMed 30287823 (cited by Labcorp Genetics (formerly Invitae), Labcorp).

NM_000051.4(ATM):c.4340G>A (p.Ser1447Asn)

Gene: ATM (ATM serine/threonine kinase; plus strand). Cytogenetic location: 11q22.3.
Variant type: single nucleotide variant.
Coding change: c.4340G>A on transcript NM_000051.4 (MANE Select); coding-DNA position 4340, G replaced by A.
Protein change: p.Ser1447Asn; replaces serine 1447 with asparagine.
Molecular consequence: missense variant.
Genome position (GRCh38, 1-based): chr11:108,289,705, G>A. VCF-style: chr11-108289705-G-A. GRCh37 (hg19) VCF-style: chr11-108160432-G-A.
Other names: c.4340G>A, p.Ser1447Asn (NM_001351834.2); short protein forms S1447N.
Identifiers: ClinVar variation 2187728 (VCV002187728.5), dbSNP rs2546909706, ClinGen allele CA382531951.
Genomic context (GRCh38, chr11:108,289,705, plus strand): 5'-CTGAAACAAATAATGTTTATAAGAAGCACAGAATTCTTAAAATATATCACCTGTTTGTTA[G>A]TTTATTACTGAAAGATATAAAAAGTGGCTTAGGAGGAGCTTGGGCCTTTGTTCTTCGAGA-3'
Protein context (NP_000042.3, residues 1437-1457): RILKIYHLFV[Ser1447Asn]LLLKDIKSGL